The following is an entry in ClinVar:

ClinVar aggregate classification (germline): Conflicting classifications of pathogenicity. Review status: criteria provided, conflicting classifications (1 of 4 stars). 3 submissions from 3 submitters: Uncertain significance (1); Likely benign (1). 1 of the submissions does not count toward it. Last evaluated 2025-11-21.

Conditions:
Duchenne muscular dystrophy (DMD). Also called: Duchenne Muscular Dystrophy (DMD); MUSCULAR DYSTROPHY, PSEUDOHYPERTROPHIC PROGRESSIVE, DUCHENNE TYPE. Identifiers: Orphanet 98896, MedGen C0013264, MONDO:0010679, OMIM 310200.
Dystrophin deficiency.
Becker muscular dystrophy (BMD). Also called: MUSCULAR DYSTROPHY, PSEUDOHYPERTROPHIC PROGRESSIVE, BECKER TYPE; Becker Muscular Dystrophy (BMD). Identifiers: Orphanet 98895, MedGen C0917713, MONDO:0010311, OMIM 300376.
Cardiomyopathy (CMYO). Also called: Cardiomyopathies. Identifiers: Orphanet 167848, MedGen C0878544, MONDO:0004994, HP:0001638. Inheritance: Various modes of inheritance.
Cardiovascular phenotype. Identifiers: MedGen CN230736.

gnomAD v4.1: 2 of 1,209,847 alleles (0.00017%); highest among the groups gnomAD compares: African/African-American, 0.0035%; no homozygotes.

Submissions (3):

Ambry Genetics
Classification: Uncertain significance for Cardiovascular phenotype. Last evaluated: 2025-11-21. Review status: criteria provided, single submitter. Criteria: Ambry Variant Classification Scheme 2023. Collection method: clinical testing. Allele origin: germline.
Comment: The p.F906C variant (also known as c.2717T>G), located in coding exon 21 of the DMD gene, results from a T to G substitution at nucleotide position 2717. The phenylalanine at codon 906 is replaced by cysteine, an amino acid with highly dissimilar properties. This amino acid position is highly conserved in available vertebrate species. In addition, the in silico prediction for this alteration is inconclusive. Based on data from gnomAD, the G allele has an overall frequency of <0.01% (1/22046) total alleles studied, with 1 hemizygote(s) observed. The highest observed frequency was 0.02% (1/5935) of African alleles. Based on the available evidence, the clinical significance of this variant remains unclear.

Labcorp Genetics (formerly Invitae), Labcorp
Classification: Likely benign for Duchenne muscular dystrophy. Last evaluated: 2024-07-10. Review status: criteria provided, single submitter. Criteria: Invitae Variant Classification Sherloc (09022015). Collection method: clinical testing. Allele origin: germline.

Natera, Inc.
Classification: Uncertain significance for Becker muscular dystrophy; Cardiomyopathy; Duchenne muscular dystrophy; Dystrophin deficiency. Last evaluated: 2018-08-28. Review status: no assertion criteria provided. Collection method: clinical testing. Allele origin: germline. Not counted in ClinVar's aggregate classification.

NM_004006.3(DMD):c.2717T>G (p.Phe906Cys)

Gene: DMD (dystrophin; minus strand). Cytogenetic location: Xp21.1.
Variant type: single nucleotide variant.
Coding change: c.2717T>G on transcript NM_004006.3 (MANE Select); coding-DNA position 2717, T replaced by G.
Protein change: p.Phe906Cys; replaces phenylalanine 906 with cysteine.
Molecular consequence: missense variant.
Genome position (GRCh38, 1-based): chrX:32,485,005, A>C on the plus strand (T>G on the coding strand, the complement: DMD is on the minus strand). VCF-style: chrX-32485005-A-C. GRCh37 (hg19) VCF-style: chrX-32503122-A-C.
Other names: c.2693T>G, p.Phe898Cys (NM_000109.4); c.2705T>G, p.Phe902Cys (NM_004009.3); c.2348T>G, p.Phe783Cys (NM_004010.3); short protein forms F783C, F898C, F902C, F906C.
Identifiers: ClinVar variation 839210 (VCV000839210.11), dbSNP rs375557173, ClinGen allele CA412670815.